The following is an entry in ClinVar:

NM_017636.4(TRPM4):c.62C>T (p.Thr21Met)

Gene: TRPM4 (transient receptor potential cation channel subfamily M member 4; plus strand). Cytogenetic location: 19q13.33.
Variant type: single nucleotide variant.
Coding change: c.62C>T on transcript NM_017636.4 (MANE Select); coding-DNA position 62, C replaced by T.
Protein change: p.Thr21Met; replaces threonine 21 with methionine.
Molecular consequence: missense variant. On other transcripts: 5 prime UTR variant (3).
Genome position (GRCh38, 1-based): chr19:49,158,229, C>T. VCF-style: chr19-49158229-C-T. GRCh37 (hg19) VCF-style: chr19-49661486-C-T.
Other names: c.62C>T, p.Thr21Met (NM_001195227.2, NM_001321281.2); c.-1311C>T (NM_001321282.2); c.-105C>T (NM_001321283.2); c.-268C>T (NM_001321285.2); short protein forms T21M.
Identifiers: ClinVar variation 936967 (VCV000936967.10), dbSNP rs1399916515, ClinGen allele CA406788030.
Genomic context (GRCh38, chr19:49,158,229, plus strand): 5'-CCTACATTTGTTCCTGTCCCCAGAGCTGGATCCCCAAGATCTTCAAGAAGAAGACCTGCA[C>T]GACGTTCATAGTTGACTCCACAGATCCGGGGTGAGGAGTTCGCCCCTGGACTGACCCCAG-3'
Protein context (NP_060106.2, residues 11-31): IPKIFKKKTC[Thr21Met]TFIVDSTDPG

ClinVar aggregate classification (germline): Uncertain significance. Review status: criteria provided, multiple submitters, no conflicts (2 of 4 stars). 2 submissions from 2 submitters: Uncertain significance (2). Last evaluated 2023-10-15.

Conditions:
Cardiovascular phenotype. Identifiers: MedGen CN230736.
Progressive familial heart block type IB (PFHB1B). Identifiers: Orphanet 871, MedGen C1970298, MONDO:0011474, OMIM 604559.

Allele frequency attached by ClinVar (database versions not stated): gnomAD 0.00001.
gnomAD v4.1: 3 of 1,613,780 alleles (0.00019%); highest among the groups gnomAD compares: African/African-American, 0.0013%; no homozygotes.

Submissions (2):

Ambry Genetics
Classification: Uncertain significance for Cardiovascular phenotype. Last evaluated: 2023-10-15. Review status: criteria provided, single submitter. Criteria: Ambry Variant Classification Scheme 2023. Collection method: clinical testing. Allele origin: germline.
Comment: The p.T21M variant (also known as c.62C>T), located in coding exon 2 of the TRPM4 gene, results from a C to T substitution at nucleotide position 62. The threonine at codon 21 is replaced by methionine, an amino acid with similar properties. This amino acid position is conserved. In addition, the in silico prediction for this alteration is inconclusive. Since supporting evidence is limited at this time, the clinical significance of this alteration remains unclear.

Labcorp Genetics (formerly Invitae), Labcorp
Classification: Uncertain significance for Progressive familial heart block type IB. Last evaluated: 2019-06-18. Review status: criteria provided, single submitter. Criteria: Invitae Variant Classification Sherloc (09022015). Collection method: clinical testing. Allele origin: germline.
Comment: Algorithms developed to predict the effect of missense changes on protein structure and function are either unavailable or do not agree on the potential impact of this missense change (SIFT: "Deleterious"; PolyPhen-2: "Probably Damaging"; Align-GVGD: "Class C0"). This sequence change replaces threonine with methionine at codon 21 of the TRPM4 protein (p.Thr21Met). The threonine residue is moderately conserved and there is a moderate physicochemical difference between threonine and methionine. This variant is not present in population databases (ExAC no frequency). This variant has not been reported in the literature in individuals with TRPM4-related conditions. In summary, the available evidence is currently insufficient to determine the role of this variant in disease. Therefore, it has been classified as a Variant of Uncertain Significance.